The following is an entry in ClinVar:

NM_005732.4(RAD50):c.151T>C (p.Tyr51His)

Gene: RAD50 (RAD50 double strand break repair protein; plus strand). Cytogenetic location: 5q31.1.
Variant type: single nucleotide variant.
Coding change: c.151T>C on transcript NM_005732.4 (MANE Select); coding-DNA position 151, T replaced by C.
Protein change: p.Tyr51His; replaces tyrosine 51 with histidine.
Molecular consequence: missense variant.
Genome position (GRCh38, 1-based): chr5:132,559,305, T>C. VCF-style: chr5-132559305-T-C. GRCh37 (hg19) VCF-style: chr5-131894997-T-C.
Other names: c.151T>C (NM_005732.3); short protein forms Y51H.
Identifiers: ClinVar variation 1480487 (VCV001480487.9), dbSNP rs2149831277, ClinGen allele CA360953314.
Genomic context (GRCh38, chr5:132,559,305, plus strand): 5'-TCTCTTATAACGAAATAATGTAATTTTCTATTTCTTTAGACCATCATTGAATGTCTAAAA[T>C]ATATTTGTACTGGAGATTTCCCTCCTGGAACCAAAGGAAATACATTTGTACACGATCCCA-3'
Protein context (NP_005723.2, residues 41-61): GKTTIIECLK[Tyr51His]ICTGDFPPGT

ClinVar aggregate classification (germline): Uncertain significance. Review status: criteria provided, multiple submitters, no conflicts (2 of 4 stars). 2 submissions from 2 submitters: Uncertain significance (2). Last evaluated 2024-04-17.

Conditions:
Hereditary cancer-predisposing syndrome. Also called: Tumor predisposition; Hereditary Cancer Syndrome; Hereditary neoplastic syndrome; Neoplastic Syndromes, Hereditary. Identifiers: Orphanet 140162, MedGen C0027672, MeSH D009386, MONDO:0015356.

Submissions (2):

Ambry Genetics
Classification: Uncertain significance for Hereditary cancer-predisposing syndrome. Last evaluated: 2024-04-17. Review status: criteria provided, single submitter. Criteria: Ambry Variant Classification Scheme 2023. Collection method: clinical testing. Allele origin: germline.
Comment: The p.Y51H variant (also known as c.151T>C), located in coding exon 2 of the RAD50 gene, results from a T to C substitution at nucleotide position 151. The tyrosine at codon 51 is replaced by histidine, an amino acid with similar properties. This amino acid position is conserved. In addition, the in silico prediction for this alteration is inconclusive. Based on the available evidence, the clinical significance of this variant remains unclear.

Labcorp Genetics (formerly Invitae), Labcorp
Classification: Uncertain significance for Hereditary cancer-predisposing syndrome. Last evaluated: 2023-09-13. Review status: criteria provided, single submitter. Criteria: Invitae Variant Classification Sherloc (09022015). Collection method: clinical testing. Allele origin: germline.
Comment: This sequence change replaces tyrosine, which is neutral and polar, with histidine, which is basic and polar, at codon 51 of the RAD50 protein (p.Tyr51His). This variant is not present in population databases (gnomAD no frequency). This variant has not been reported in the literature in individuals affected with RAD50-related conditions. ClinVar contains an entry for this variant (Variation ID: 1480487). Advanced modeling of protein sequence and biophysical properties (such as structural, functional, and spatial information, amino acid conservation, physicochemical variation, residue mobility, and thermodynamic stability) performed at Invitae indicates that this missense variant is expected to disrupt RAD50 protein function. In summary, the available evidence is currently insufficient to determine the role of this variant in disease. Therefore, it has been classified as a Variant of Uncertain Significance.